The following is an entry in ClinVar:

ClinVar aggregate classification (germline): Uncertain significance (1 of 4 stars; one submission).

Conditions:
POLD1-related polyposis and colorectal cancer syndrome (CRCS10). Also called: Colorectal cancer 10; COLORECTAL CANCER, SUSCEPTIBILITY TO, ON CHROMOSOME 19q; Colorectal cancer, susceptibility to, 10. Identifiers: Orphanet 220460, MedGen C2675481, MONDO:0012953, OMIM 612591.

Allele frequency attached by ClinVar (database versions not stated): gnomAD exomes below 0.00001.
gnomAD v4.1: 3 of 1,609,096 alleles (0.00019%); highest among the groups gnomAD compares: Non-Finnish European, 0.00025%; no homozygotes.

Submission:

Labcorp Genetics (formerly Invitae), Labcorp
Classification: Uncertain significance for POLD1-related polyposis and colorectal cancer syndrome. Last evaluated: 2022-12-25. Review status: criteria provided, single submitter. Criteria: Invitae Variant Classification Sherloc (09022015). Collection method: clinical testing. Allele origin: germline.
Comment: This sequence change replaces leucine, which is neutral and non-polar, with proline, which is neutral and non-polar, at codon 630 of the POLD1 protein (p.Leu630Pro). In summary, the available evidence is currently insufficient to determine the role of this variant in disease. Therefore, it has been classified as a Variant of Uncertain Significance. Advanced modeling of protein sequence and biophysical properties (such as structural, functional, and spatial information, amino acid conservation, physicochemical variation, residue mobility, and thermodynamic stability) performed at Invitae indicates that this missense variant is not expected to disrupt POLD1 protein function. This variant has not been reported in the literature in individuals affected with POLD1-related conditions. This variant is not present in population databases (gnomAD no frequency).

NM_002691.4(POLD1):c.1889T>C (p.Leu630Pro)

Gene: POLD1 (DNA polymerase delta 1, catalytic subunit; plus strand). Cytogenetic location: 19q13.33.
Variant type: single nucleotide variant.
Coding change: c.1889T>C on transcript NM_002691.4 (MANE Select); coding-DNA position 1889, T replaced by C.
Protein change: p.Leu630Pro; replaces leucine 630 with proline.
Molecular consequence: missense variant. On other transcripts: non-coding transcript variant (1).
Genome position (GRCh38, 1-based): chr19:50,408,898, T>C. VCF-style: chr19-50408898-T-C. GRCh37 (hg19) VCF-style: chr19-50912155-T-C.
Other names: c.1889T>C, p.Leu630Pro (NM_001256849.1); c.1967T>C, p.Leu656Pro (NM_001308632.1); short protein forms L630P, L656P.
Identifiers: ClinVar variation 1996081 (VCV001996081.4), dbSNP rs2514012408, ClinGen allele CA406982166.